The following is an entry in ClinVar:

ClinVar aggregate classification (germline): Uncertain significance (1 of 4 stars; one submission).

gnomAD v4.1: 1 of 1,613,770 alleles (0.000062%); highest among the groups gnomAD compares: Non-Finnish European, 0.000085%; no homozygotes.

Submission:

Labcorp Genetics (formerly Invitae), Labcorp
Classification: Uncertain significance. Last evaluated: 2021-01-19. Review status: criteria provided, single submitter. Criteria: Invitae Variant Classification Sherloc (09022015). Collection method: clinical testing. Allele origin: germline.
Comment: This sequence change replaces methionine with valine at codon 888 of the AP3B2 protein (p.Met888Val). The methionine residue is moderately conserved and there is a small physicochemical difference between methionine and valine. This variant is not present in population databases (ExAC no frequency). This variant has not been reported in the literature in individuals with AP3B2-related conditions. Algorithms developed to predict the effect of missense changes on protein structure and function (SIFT, PolyPhen-2, Align-GVGD) all suggest that this variant is likely to be tolerated, but these predictions have not been confirmed by published functional studies and their clinical significance is uncertain. In summary, the available evidence is currently insufficient to determine the role of this variant in disease. Therefore, it has been classified as a Variant of Uncertain Significance.

NM_001278512.2(AP3B2):c.2719A>G (p.Met907Val)

Genes: AP3B2 (adaptor related protein complex 3 subunit beta 2; minus strand), CPEB1-AS1 (CPEB1 antisense RNA 1; plus strand). Cytogenetic location: 15q25.2.
Variant type: single nucleotide variant.
Coding change: c.2719A>G on transcript NM_001278512.2 (MANE Select); coding-DNA position 2719, A replaced by G.
Protein change: p.Met907Val; replaces methionine 907 with valine.
Molecular consequence: missense variant.
Genome position (GRCh38, 1-based): chr15:82,662,808, T>C on the plus strand (A>G on the coding strand, the complement: AP3B2 is on the minus strand). VCF-style: chr15-82662808-T-C. GRCh37 (hg19) VCF-style: chr15-83331560-T-C.
Other names: c.2566A>G, p.Met856Val (NM_001278511.2); c.2662A>G, p.Met888Val (NM_004644.5); short protein forms M856V, M888V, M907V.
Identifiers: ClinVar variation 1437107 (VCV001437107.8), dbSNP rs2151427666, ClinGen allele CA393308590.
Genomic context (GRCh38, chr15:82,662,808, plus strand): 5'-CATGCAGGCCCTTGATGGGGGTATCAGAGCTGTTGGAGAAGTGGATGTGCACGGACACCA[T>C]GTGGGGATCCCCGGAGAAAGGTTGGCGGCTGAAGGTGTAGTCCACAGCCAGCCCCTCGCC-3'
Protein context (NP_001265441.1, residues 897-917): SRQPFSGDPH[Met907Val]VSVHIHFSNS